The following is an entry in ClinVar:

NM_031935.3(HMCN1):c.6220C>A (p.Gln2074Lys)

Gene: HMCN1 (hemicentin 1; plus strand). Cytogenetic location: 1q31.1.
Variant type: single nucleotide variant.
Coding change: c.6220C>A on transcript NM_031935.3 (MANE Select); coding-DNA position 6220, C replaced by A.
Protein change: p.Gln2074Lys; replaces glutamine 2074 with lysine.
Molecular consequence: missense variant.
Genome position (GRCh38, 1-based): chr1:186,041,052, C>A. VCF-style: chr1-186041052-C-A. GRCh37 (hg19) VCF-style: chr1-186010184-C-A.
Other names: short protein forms Q2074K.
Identifiers: ClinVar variation 875608 (VCV000875608.13), dbSNP rs200822474, ClinGen allele CA1292496.
Genomic context (GRCh38, chr1:186,041,052, plus strand): 5'-TAGCGTTCTTACCATTGATAGGTTCTCTCTGGTGGTCGAATCCTAGCATTGACCAGTGCA[C>A]AAATCAGCGACACAGGAAGGTACACCTGCGTGGCAGTGAATGCTGCTGGAGAAAAGCAAA-3'
Protein context (NP_114141.2, residues 2064-2084): GGRILALTSA[Gln2074Lys]ISDTGRYTCV

ClinVar aggregate classification (germline): Uncertain significance. Review status: criteria provided, multiple submitters, no conflicts (2 of 4 stars). 4 submissions from 4 submitters: Uncertain significance (4). Last evaluated 2026-01-19.

Conditions:
Age related macular degeneration 1 (ARMD1). Also called: MACULOPATHY, AGE-RELATED, 1. Identifiers: MedGen C1864205, MONDO:0011285, OMIM 603075.

Allele frequency attached by ClinVar (database versions not stated): ExAC 0.00008; TOPMed 0.00010; 1000 Genomes Project 30x 0.00016; 1000 Genomes Project 0.00020.
gnomAD v4.1: 346 of 1,612,912 alleles (0.021%); highest among the groups gnomAD compares: Non-Finnish European, 0.027%; 1 homozygote.

Submissions (4):

Labcorp Genetics (formerly Invitae), Labcorp
Classification: Uncertain significance. Last evaluated: 2026-01-19. Review status: criteria provided, single submitter. Criteria: Invitae Variant Classification Sherloc (09022015). Collection method: clinical testing. Allele origin: germline.
Comment: This sequence change replaces glutamine, which is neutral and polar, with lysine, which is basic and polar, at codon 2074 of the HMCN1 protein (p.Gln2074Lys). This variant is present in population databases (rs200822474, gnomAD 0.02%). This variant has not been reported in the literature in individuals affected with HMCN1-related conditions. ClinVar contains an entry for this variant (Variation ID: 875608). An algorithm developed to predict the effect of missense changes on protein structure and function (PolyPhen-2) suggests that this variant is likely to be disruptive. In summary, the available evidence is currently insufficient to determine the role of this variant in disease. Therefore, it has been classified as a Variant of Uncertain Significance.

Ambry Genetics
Classification: Uncertain significance. Last evaluated: 2025-04-17. Review status: criteria provided, single submitter. Criteria: Ambry Variant Classification Scheme 2023. Collection method: clinical testing. Allele origin: germline.

Genome-Nilou Lab
Classification: Uncertain significance for Age related macular degeneration 1. Last evaluated: 2023-04-11. Review status: criteria provided, single submitter. Criteria: ACMG Guidelines, 2015. Collection method: clinical testing. Allele origin: germline. Affected: no.

Illumina Laboratory Services, Illumina
Classification: Uncertain significance for Age related macular degeneration 1. Last evaluated: 2017-04-28. Review status: criteria provided, single submitter. Criteria: ICSL Variant Classification Criteria 13 December 2019. Collection method: clinical testing. Allele origin: germline.